The following is an entry in ClinVar:

NM_015466.4(PTPN23):c.2417G>C (p.Arg806Thr)

Gene: PTPN23 (protein tyrosine phosphatase non-receptor type 23; plus strand). Cytogenetic location: 3p21.31.
Variant type: single nucleotide variant.
Coding change: c.2417G>C on transcript NM_015466.4 (MANE Select); coding-DNA position 2417, G replaced by C.
Protein change: p.Arg806Thr; replaces arginine 806 with threonine.
Molecular consequence: missense variant.
Genome position (GRCh38, 1-based): chr3:47,410,215, G>C. VCF-style: chr3-47410215-G-C. GRCh37 (hg19) VCF-style: chr3-47451705-G-C.
Other names: c.2417G>C (NM_015466.2); c.2039G>C, p.Arg680Thr (NM_001304482.2); short protein forms R680T, R806T.
Identifiers: ClinVar variation 1641535 (VCV001641535.11), dbSNP rs773930292, ClinGen allele CA2366033.
Genomic context (GRCh38, chr3:47,410,215, plus strand): 5'-ATCTCTCAGGCCCCTTGCCCCCTGGTACCTACTCGGGCCCCACCCAGCTGATACAGCCCA[G>C]GGCCCCAGGGCCCCATGCAATGCCCGTAGCACCTGGGCCTGCCCTCTACCCAGCCCCTGC-3'
Protein context (NP_056281.1, residues 796-816): YSGPTQLIQP[Arg806Thr]APGPHAMPVA

ClinVar aggregate classification (germline): Conflicting classifications of pathogenicity. Review status: criteria provided, conflicting classifications (1 of 4 stars). 4 submissions from 4 submitters: Uncertain significance (2); Likely benign (2). Last evaluated 2026-09-01.

Conditions:
Neurodevelopmental disorder and structural brain anomalies with or without seizures and spasticity. Identifiers: MedGen C5394423, MONDO:0030046, OMIM 618890.
Inborn genetic diseases. Identifiers: MedGen C0950123, MeSH D030342.

Allele frequency attached by ClinVar (database versions not stated): gnomAD 0.00001; gnomAD exomes 0.00005 and 0.00023; TOPMed 0.00009; ExAC 0.00026.
gnomAD v4.1: 67 of 1,610,750 alleles (0.0042%); highest among the groups gnomAD compares: Admixed American, 0.11%; no homozygotes.

Submissions (4):

CeGaT Center for Human Genetics Tuebingen
Classification: Uncertain significance. Last evaluated: 2026-09-01. Review status: criteria provided, single submitter. Criteria: CeGaT Center For Human Genetics Tuebingen Variant Classification Criteria Version 2. Collection method: clinical testing. Allele origin: germline. Affected: yes. Observed: 1 variant allele.
Comment: PTPN23: PM2, PM3:Supporting

Labcorp Genetics (formerly Invitae), Labcorp
Classification: Likely benign. Last evaluated: 2026-02-03. Review status: criteria provided, single submitter. Criteria: Invitae Variant Classification Sherloc (09022015). Collection method: clinical testing. Allele origin: germline.

Ambry Genetics
Classification: Likely benign for Inborn genetic diseases. Last evaluated: 2025-07-02. Review status: criteria provided, single submitter. Criteria: Ambry Variant Classification Scheme 2023. Collection method: clinical testing. Allele origin: germline.

ARUP Laboratories, Molecular Genetics and Genomics, ARUP Laboratories
Classification: Uncertain significance for Neurodevelopmental disorder and structural brain anomalies with or without seizures and spasticity. Last evaluated: 2025-03-06. Review status: criteria provided, single submitter. Criteria: ARUP Molecular Germline Variant Investigation Process 2024. Collection method: clinical testing. Allele origin: germline.